The following is an entry in ClinVar:

NM_003242.6(TGFBR2):c.1330C>T (p.Gln444Ter)

Gene: TGFBR2 (transforming growth factor beta receptor 2; plus strand). Cytogenetic location: 3p24.1.
Variant type: single nucleotide variant.
Coding change: c.1330C>T on transcript NM_003242.6 (MANE Select); coding-DNA position 1330, C replaced by T.
Protein change: p.Gln444Ter; replaces glutamine 444 with a stop codon.
Molecular consequence: nonsense. On other transcripts: intron variant (1).
Genome position (GRCh38, 1-based): chr3:30,674,180, C>T. VCF-style: chr3-30674180-C-T. GRCh37 (hg19) VCF-style: chr3-30715672-C-T.
Other names: c.1405C>T, p.Gln469Ter (NM_001024847.3); c.1513C>T, p.Gln505Ter (NM_001407126.1); c.1438C>T, p.Gln480Ter (NM_001407127.1); c.1357C>T, p.Gln453Ter (NM_001407128.1); c.1333C>T, p.Gln445Ter (NM_001407129.1); c.1330C>T, p.Gln444Ter (NM_001407130.1); c.1225C>T, p.Gln409Ter (NM_001407132.1, NM_001407133.1, NM_001407134.1 and 2 more transcripts); c.1045C>T, p.Gln349Ter (NM_001407137.1); and 2 more; short protein forms Q324*, Q349*, Q409*, Q444*, Q445*, Q453*, Q469*, Q480*.
Identifiers: ClinVar variation 2574078 (VCV002574078.2), dbSNP rs758294183, ClinGen allele CA71530976.

ClinVar aggregate classification (germline): Uncertain significance. Review status: criteria provided, single submitter (1 of 4 stars). 2 submissions from 2 submitters: Uncertain significance (1). 1 of the submissions does not count toward it. Last evaluated 2024-06-27.

Conditions:
Loeys-Dietz syndrome 2 (LDS2). Also called: Marfan syndrome, type 2 (formerly); TGFBR2-Related Loeys-Dietz Syndrome; AORTIC ANEURYSM, FAMILIAL THORACIC 3; MARFAN SYNDROME, TYPE II; Marfan Syndrome type 2; Marfan like connective tissue disorder. Identifiers: Orphanet 284973, Orphanet 558, MedGen C2674574, MONDO:0012427, OMIM 610168.

Submissions (2):

Blueprint Genetics
Classification: Uncertain significance. Last evaluated: 2024-06-27. Review status: criteria provided, single submitter. Criteria: ACMG Guidelines, 2015. Collection method: clinical testing. Allele origin: germline.

deCODE genetics, Amgen
Classification: Pathogenic for Loeys-Dietz syndrome 2. Last evaluated: 2023-07-21. Review status: no assertion criteria provided. Collection method: research. Allele origin: germline. Affected: yes. Observed: 104 variant alleles. Not counted in ClinVar's aggregate classification.
Comment: The variant NM_003242.6:c.1330C>T (chr3:30674180) in TGFBR2 was detected in 37 heterozygotes out of 58K WGS Icelanders (MAF= 0,032%). Following imputation in a set of 166K Icelanders (104 imputed heterozygotes) we observed an association with thoracic aortic aneurysm using 517 cases and 287821 controls (OR= 14.30, P= 7.45e-05). This variant has not been reported in ClinVar previously. Based on ACMG criteria (PVS1, PS4) this variant classifies as pathogenic.